The following is an entry in ClinVar:

ClinVar aggregate classification (germline): Uncertain significance. Review status: criteria provided, multiple submitters, no conflicts (2 of 4 stars). 7 submissions from 7 submitters: Uncertain significance (6). 1 of the submissions does not count toward it. Last evaluated 2025-12-15.

Conditions:
ATM-related disorder. Also called: ATM-related disorders; ATM-related condition.
Hereditary cancer-predisposing syndrome. Also called: Neoplastic Syndromes, Hereditary; Hereditary neoplastic syndrome; Tumor predisposition; Hereditary Cancer Syndrome. Identifiers: Orphanet 140162, MedGen C0027672, MeSH D009386, MONDO:0015356.
Familial cancer of breast. Also called: hereditary breast carcinoma; Hereditary breast cancer; BREAST CANCER, FAMILIAL. Identifiers: Orphanet 227535, MedGen C0346153, MONDO:0016419, OMIM 114480. Disease mechanism: loss of function.
Ataxia-telangiectasia syndrome (AT). Also called: Ataxia telangiectasia (A-T); Cerebello-oculocutaneous telangiectasia; Immunodeficiency with ataxia telangiectasia; LOUIS-BAR SYNDROME; AT, COMPLEMENTATION GROUP C; ATAXIA-TELANGIECTASIA, FRESNO VARIANT. Identifiers: Orphanet 100, MedGen C0004135, MONDO:0008840, OMIM 208900.

gnomAD v4.1: 1 of 1,613,458 alleles (0.000062%); highest among the groups gnomAD compares: Non-Finnish European, 0.000085%; no homozygotes.

Submissions (7):

Labcorp Genetics (formerly Invitae), Labcorp
Classification: Uncertain significance for Ataxia-telangiectasia syndrome. Last evaluated: 2025-12-15. Review status: criteria provided, single submitter. Criteria: Invitae Variant Classification Sherloc (09022015). Collection method: clinical testing. Allele origin: germline.
Comment: This sequence change replaces aspartic acid, which is acidic and polar, with asparagine, which is neutral and polar, at codon 1963 of the ATM protein (p.Asp1963Asn). This variant is not present in population databases (gnomAD no frequency). This missense change has been observed in individual(s) with ATM-related conditions (PMID: 33436325). ClinVar contains an entry for this variant (Variation ID: 219542). Invitae Evidence Modeling of protein sequence and biophysical properties (such as structural, functional, and spatial information, amino acid conservation, physicochemical variation, residue mobility, and thermodynamic stability) indicates that this missense variant is not expected to disrupt ATM protein function with a negative predictive value of 95%. In summary, the available evidence is currently insufficient to determine the role of this variant in disease. Therefore, it has been classified as a Variant of Uncertain Significance.

Center for Genomic Medicine, Rigshospitalet, Copenhagen University Hospital
Classification: Uncertain significance. Last evaluated: 2025-03-04. Review status: criteria provided, single submitter. Criteria: ACMG Guidelines, 2015. Collection method: clinical testing. Allele origin: germline.

Fulgent Genetics
Classification: Uncertain significance for Familial cancer of breast; Ataxia-telangiectasia syndrome. Last evaluated: 2024-06-06. Review status: criteria provided, single submitter. Criteria: ACMG Guidelines, 2015. Collection method: clinical testing. Allele origin: germline.

Blueprint Genetics
Classification: Uncertain significance. Last evaluated: 2024-04-09. Review status: criteria provided, single submitter. Criteria: ACMG Guidelines, 2015. Collection method: clinical testing. Allele origin: germline.

Ambry Genetics
Classification: Uncertain significance for Hereditary cancer-predisposing syndrome. Last evaluated: 2023-06-07. Review status: criteria provided, single submitter. Criteria: Ambry Variant Classification Scheme 2023. Collection method: clinical testing. Allele origin: germline.
Comment: The p.D1963N variant (also known as c.5887G>A), located in coding exon 38 of the ATM gene, results from a G to A substitution at nucleotide position 5887. The aspartic acid at codon 1963 is replaced by asparagine, an amino acid with highly similar properties. This alteration has been reported in at least one subject in a study of 13087 breast cancer cases and 5488 control individuals in the UK (Decker B et al. J. Med. Genet., 2017 11;54:732-741). This variant was also reported in 1/5560 prostate cancer cases and in 0/3353 controls of European ancestry (Karlsson Q et al. Eur Urol Oncol, 2021 Aug;4:570-579). This amino acid position is highly conserved in available vertebrate species. In addition, this alteration is predicted to be tolerated by in silico analysis. Since supporting evidence is limited at this time, the clinical significance of this alteration remains unclear.

Athena Diagnostics
Classification: Uncertain significance. Last evaluated: 2022-03-07. Review status: criteria provided, single submitter. Criteria: Athena Diagnostics Criteria. Collection method: clinical testing. Allele origin: unknown.

PreventionGenetics, part of Exact Sciences
Classification: Uncertain significance for ATM-related condition. Last evaluated: 2024-09-25. Review status: no assertion criteria provided. Collection method: clinical testing. Allele origin: germline. Not counted in ClinVar's aggregate classification.
Comment: The ATM c.5887G>A variant is predicted to result in the amino acid substitution p.Asp1963Asn. This variant was reported as a variant of uncertain significance in an individual with prostate cancer (Table S4, Karlsson et al. 2021. PubMed ID: 33436325). This variant has not been reported in a large population database, indicating this variant is rare. This variant has been interpreted as uncertain in ClinVar. At this time, the clinical significance of this variant is uncertain due to the absence of conclusive functional and genetic evidence.

Literature cited by the submitters: PubMed 33436325 (cited by 3 submitters); PubMed 28779002 (cited by 3 submitters); PubMed 24983367 (cited by Athena Diagnostics).

NM_000051.4(ATM):c.5887G>A (p.Asp1963Asn)

Genes: ATM (ATM serine/threonine kinase; plus strand), C11orf65 (chromosome 11 open reading frame 65; minus strand). Cytogenetic location: 11q22.3.
Variant type: single nucleotide variant.
Coding change: c.5887G>A on transcript NM_000051.4 (MANE Select); coding-DNA position 5887, G replaced by A.
Protein change: p.Asp1963Asn; replaces aspartic acid 1963 with asparagine.
Molecular consequence: missense variant. On other transcripts: intron variant (2).
Genome position (GRCh38, 1-based): chr11:108,310,284, G>A. VCF-style: chr11-108310284-G-A. GRCh37 (hg19) VCF-style: chr11-108181011-G-A.
Other names: c.5887G>A, p.Asp1963Asn (NM_001351834.2); c.641-1213C>T (NM_001330368.2); c.*39-1213C>T (NM_001351110.2); short protein forms D1963N.
Identifiers: ClinVar variation 219542 (VCV000219542.19), dbSNP rs864622148, ClinGen allele CA349731.